The following is an entry in ClinVar:

ClinVar aggregate classification (germline): Pathogenic (1 of 4 stars; one submission).

Conditions:
Charcot-Marie-Tooth disease type 4. Also called: Charcot-Marie-Tooth disease, type IV; Charcot-Marie-Tooth, Type 4. Identifiers: Orphanet 64749, MedGen C4082197, MONDO:0018995.

Allele frequency attached by ClinVar (database versions not stated): gnomAD 0.00001.

Submission:

Labcorp Genetics (formerly Invitae), Labcorp
Classification: Pathogenic for Charcot-Marie-Tooth disease type 4. Last evaluated: 2024-06-25. Review status: criteria provided, single submitter. Criteria: Invitae Variant Classification Sherloc (09022015). Collection method: clinical testing. Allele origin: germline.
Comment: This sequence change affects the initiator methionine of the FIG4 mRNA. The next in-frame methionine is located at codon 78. This variant is not present in population databases (gnomAD no frequency). This variant has not been reported in the literature in individuals affected with FIG4-related conditions. ClinVar contains an entry for this variant (Variation ID: 959208). This variant disrupts a region of the FIG4 protein in which other variant(s) (p.Ile41Thr) have been determined to be pathogenic (PMID: 17572665, 18556664, 21705420, 23489662, 24878229; Invitae). This suggests that this is a clinically significant region of the protein, and that variants that disrupt it are likely to be disease-causing. For these reasons, this variant has been classified as Pathogenic.

Literature cited by the submitters: PubMed 17572665; PubMed 18556664; PubMed 21705420; PubMed 23489662; PubMed 24878229.

NM_014845.6(FIG4):c.1A>C (p.Met1Leu)

Gene: FIG4 (FIG4 phosphoinositide 5-phosphatase; plus strand). Cytogenetic location: 6q21.
Variant type: single nucleotide variant.
Coding change: c.1A>C on transcript NM_014845.6 (MANE Select); coding-DNA position 1, A replaced by C.
Protein change: p.Met1Leu; changes the start codon (methionine 1).
Molecular consequence: missense variant, initiator codon variant.
Genome position (GRCh38, 1-based): chr6:109,691,436, A>C. VCF-style: chr6-109691436-A-C. GRCh37 (hg19) VCF-style: chr6-110012639-A-C.
Other names: short protein forms M1L.
Identifiers: ClinVar variation 959208 (VCV000959208.8), dbSNP rs1490935299, ClinGen allele CA365206378.